The following is an entry in ClinVar:

NM_015072.5(TTLL5):c.3523-4G>A

Gene: TTLL5 (tubulin tyrosine ligase like 5; plus strand). Cytogenetic location: 14q24.3.
Variant type: single nucleotide variant.
Coding change: c.3523-4G>A on transcript NM_015072.5 (MANE Select); 4 bases into the intron before coding-DNA position 3523, G replaced by A.
Molecular consequence: intron variant.
Genome position (GRCh38, 1-based): chr14:75,882,681, G>A. VCF-style: chr14-75882681-G-A. GRCh37 (hg19) VCF-style: chr14-76349024-G-A.
Other names: c.3523-4G>A (NM_015072.4).
Identifiers: ClinVar variation 1090318 (VCV001090318.10), dbSNP rs756826932, ClinGen allele CA615195331.

ClinVar aggregate classification (germline): Likely benign. Review status: criteria provided, multiple submitters, no conflicts (2 of 4 stars). 2 submissions from 2 submitters: Likely benign (2). Last evaluated 2026-08-11.

Conditions:
TTLL5-related disorder. Also called: TTLL5-related condition.

Allele frequency attached by ClinVar (database versions not stated): gnomAD exomes 0.00002; TOPMed 0.00002.
gnomAD v4.1: 21 of 1,537,144 alleles (0.0014%); highest among the groups gnomAD compares: Non-Finnish European, 0.0018%; no homozygotes.

Submissions (2):

PreventionGenetics, part of Exact Sciences
Classification: Likely benign for TTLL5-related condition. Last evaluated: 2026-08-11. Review status: criteria provided, single submitter. Criteria: ACMG Guidelines, 2015. Collection method: clinical testing. Allele origin: germline.
Comment: This variant is classified as likely benign based on ACMG/AMP sequence variant interpretation guidelines (Richards et al. 2015 PMID: 25741868, with internal and published modifications).

Labcorp Genetics (formerly Invitae), Labcorp
Classification: Likely benign. Last evaluated: 2024-07-06. Review status: criteria provided, single submitter. Criteria: Invitae Variant Classification Sherloc (09022015). Collection method: clinical testing. Allele origin: germline.